The following is an entry in ClinVar:

ClinVar aggregate classification (germline): Likely pathogenic (1 of 4 stars; one submission).

Conditions:
Fanconi anemia complementation group O. Also called: RAD51C-Related Fanconi Anemia. Identifiers: Orphanet 84, MedGen C3150653, MONDO:0013248, OMIM 613390.

Submission:

Labcorp Genetics (formerly Invitae), Labcorp
Classification: Likely pathogenic for Fanconi anemia complementation group O. Last evaluated: 2022-03-06. Review status: criteria provided, single submitter. Criteria: Invitae Variant Classification Sherloc (09022015). Collection method: clinical testing. Allele origin: germline.
Comment: In summary, the currently available evidence indicates that the variant is pathogenic, but additional data are needed to prove that conclusively. Therefore, this variant has been classified as Likely Pathogenic. This variant disrupts the nuclear localization signal (NLS) of the RAD51C protein, which is important for proper localization and function of the RAD51C protein (PMID:12966089). While functional studies have not been performed to directly test the effect of this variant on RAD51C protein function, this suggests that disruption of this region of the protein is causative of disease. This variant has not been reported in the literature in individuals affected with RAD51C-related conditions. This variant is not present in population databases (gnomAD no frequency). This sequence change creates a premature translational stop signal (p.Cys335Phefs*14) in the RAD51C gene. While this is not anticipated to result in nonsense mediated decay, it is expected to disrupt the last 42 amino acid(s) of the RAD51C protein.

Literature cited by the submitters: PubMed 12966089.

NM_058216.3(RAD51C):c.1003_1004insTTCC (p.Cys335fs)

Gene: RAD51C (RAD51 paralog C; plus strand). Cytogenetic location: 17q22.
Variant type: Insertion.
Coding change: c.1003_1004insTTCC on transcript NM_058216.3 (MANE Select); coding-DNA positions 1003 to 1004, TTCC inserted.
Protein change: p.Cys335fs; shifts the reading frame from cysteine 335.
Molecular consequence: frameshift variant. On other transcripts: non-coding transcript variant (1).
Genome position: GRCh38 VCF-style: chr17-58732521-T-TTTCC. GRCh37 (hg19) VCF-style: chr17-56809882-T-TTTCC.
Other names: c.*431_*432insTTCC (NM_058217.1); short protein forms C335fs.
Identifiers: ClinVar variation 2166799 (VCV002166799.4), dbSNP rs2509364267, ClinGen allele CA2580094400.